The following is an entry in ClinVar:

NM_006262.4(PRPH):c.256C>T (p.Leu86Phe)

Genes: PRPH (peripherin; plus strand), TROAP-AS1 (TROAP and PRPH antisense RNA 1; minus strand). Cytogenetic location: 12q13.12.
Variant type: single nucleotide variant.
Coding change: c.256C>T on transcript NM_006262.4 (MANE Select); coding-DNA position 256, C replaced by T.
Protein change: p.Leu86Phe; replaces leucine 86 with phenylalanine.
Molecular consequence: missense variant. On other transcripts: non-coding transcript variant (1).
Genome position (GRCh38, 1-based): chr12:49,295,456, C>T. VCF-style: chr12-49295456-C-T. GRCh37 (hg19) VCF-style: chr12-49689239-C-T.
Other names: short protein forms L86F.
Identifiers: ClinVar variation 2446698 (VCV002446698.1), dbSNP rs188289949, ClinGen allele CA6550805.

ClinVar aggregate classification (germline): Uncertain significance (1 of 4 stars; one submission).

Allele frequency attached by ClinVar (database versions not stated): gnomAD 0.00005; TOPMed 0.00005; gnomAD exomes 0.00006; ExAC 0.00009; 1000 Genomes Project 30x 0.00031; 1000 Genomes Project 0.00040.

Submission:

GeneDx
Classification: Uncertain significance. Last evaluated: 2023-03-22. Review status: criteria provided, single submitter. Criteria: GeneDx Variant Classification Process June 2021. Collection method: clinical testing. Allele origin: germline. Affected: yes.
Comment: In silico analysis supports that this missense variant has a deleterious effect on protein structure/function; Has not been previously published as pathogenic or benign to our knowledge